The following is an entry in ClinVar:

NM_001365951.3(KIF1B):c.1303T>C (p.Ser435Pro)

Gene: KIF1B (kinesin family member 1B; plus strand). Cytogenetic location: 1p36.22.
Variant type: single nucleotide variant.
Coding change: c.1303T>C on transcript NM_001365951.3 (MANE Select); coding-DNA position 1303, T replaced by C.
Protein change: p.Ser435Pro; replaces serine 435 with proline.
Molecular consequence: missense variant.
Genome position (GRCh38, 1-based): chr1:10,282,402, T>C. VCF-style: chr1-10282402-T-C. GRCh37 (hg19) VCF-style: chr1-10342460-T-C.
Other names: c.1303T>C, p.Ser435Pro (NM_001365952.1); c.1165T>C, p.Ser389Pro (NM_001365953.1, NM_015074.3, NM_183416.4); short protein forms S389P, S435P.
Identifiers: ClinVar variation 4092352 (VCV004092352.1).

ClinVar aggregate classification (germline): Uncertain significance (1 of 4 stars; one submission).

Submission:

Ambry Genetics
Classification: Uncertain significance. Last evaluated: 2025-07-28. Review status: criteria provided, single submitter. Criteria: Ambry Variant Classification Scheme 2023. Collection method: clinical testing. Allele origin: germline.
Comment: The p.S389P variant (also known as c.1165T>C), located in coding exon 12 of the KIF1B gene, results from a T to C substitution at nucleotide position 1165. The serine at codon 389 is replaced by proline, an amino acid with similar properties. This amino acid position is conserved. In addition, this alteration is predicted to be tolerated by in silico analysis. Based on the available evidence, the clinical significance of this variant remains unclear.